The following is an entry in ClinVar:

NM_000052.7(ATP7A):c.1670A>C (p.Glu557Ala)

Gene: ATP7A (ATPase copper transporting alpha; plus strand). Cytogenetic location: Xq21.1.
Variant type: single nucleotide variant.
Coding change: c.1670A>C on transcript NM_000052.7 (MANE Select); coding-DNA position 1670, A replaced by C.
Protein change: p.Glu557Ala; replaces glutamic acid 557 with alanine.
Molecular consequence: missense variant.
Genome position (GRCh38, 1-based): chrX:78,003,199, A>C. VCF-style: chrX-78003199-A-C. GRCh37 (hg19) VCF-style: chrX-77258696-A-C.
Other names: c.1670A>C, p.Glu557Ala (NM_001282224.2); c.1670A>C (NM_000052.4); short protein forms E557A.
Identifiers: ClinVar variation 2945266 (VCV002945266.4), dbSNP rs2522325762, ClinGen allele CA413595440.

ClinVar aggregate classification (germline): Uncertain significance. Review status: criteria provided, multiple submitters, no conflicts (2 of 4 stars). 2 submissions from 2 submitters: Uncertain significance (2). Last evaluated 2024-05-02.

Conditions:
Menkes kinky-hair syndrome (MNK). Also called: Copper transport disease; Menkes Disease; Classic Menkes Disease. Identifiers: Orphanet 565, MedGen C0022716, MONDO:0010651, OMIM 309400.
Cutis laxa, X-linked (OHS). Also called: EDS IX; Occipital horn syndrome. Identifiers: Orphanet 198, MedGen C0268353, MONDO:0010572, OMIM 304150.
X-linked distal spinal muscular atrophy type 3. Also called: ATP7A-Related Distal Motor Neuropathy; SPINAL MUSCULAR ATROPHY, DISTAL, X-LINKED RECESSIVE; NEURONOPATHY, DISTAL HEREDITARY MOTOR, X-LINKED; NEUROPATHY, DISTAL HEREDITARY MOTOR, X-LINKED. Identifiers: Orphanet 139557, MedGen C1845359, MONDO:0010338, OMIM 300489.

Submissions (2):

GeneDx
Classification: Uncertain significance. Last evaluated: 2024-05-02. Review status: criteria provided, single submitter. Criteria: GeneDx Variant Classification Process June 2021. Collection method: clinical testing. Allele origin: germline. Affected: yes.
Comment: Not observed at significant frequency in large population cohorts (gnomAD); In silico analysis supports that this missense variant has a deleterious effect on protein structure/function; Has not been previously published as pathogenic or benign to our knowledge

Labcorp Genetics (formerly Invitae), Labcorp
Classification: Uncertain significance for X-linked distal spinal muscular atrophy type 3; Cutis laxa, X-linked; Menkes kinky-hair syndrome. Last evaluated: 2023-03-13. Review status: criteria provided, single submitter. Criteria: Invitae Variant Classification Sherloc (09022015). Collection method: clinical testing. Allele origin: germline.
Comment: Advanced modeling of protein sequence and biophysical properties (such as structural, functional, and spatial information, amino acid conservation, physicochemical variation, residue mobility, and thermodynamic stability) performed at Invitae indicates that this missense variant is not expected to disrupt ATP7A protein function. This variant has not been reported in the literature in individuals affected with ATP7A-related conditions. This variant is not present in population databases (gnomAD no frequency). This sequence change replaces glutamic acid, which is acidic and polar, with alanine, which is neutral and non-polar, at codon 557 of the ATP7A protein (p.Glu557Ala). In summary, the available evidence is currently insufficient to determine the role of this variant in disease. Therefore, it has been classified as a Variant of Uncertain Significance.